The following is an entry in ClinVar:

NM_080605.4(B3GALT6):c.169G>A (p.Ala57Thr)

Gene: B3GALT6 (beta-1,3-galactosyltransferase 6; plus strand). Cytogenetic location: 1p36.33.
Variant type: single nucleotide variant.
Coding change: c.169G>A on transcript NM_080605.4 (MANE Select); coding-DNA position 169, G replaced by A.
Protein change: p.Ala57Thr; replaces alanine 57 with threonine.
Molecular consequence: missense variant.
Genome position (GRCh38, 1-based): chr1:1,232,447, G>A. VCF-style: chr1-1232447-G-A. GRCh37 (hg19) VCF-style: chr1-1167827-G-A.
Other names: short protein forms A57T.
Identifiers: ClinVar variation 2467361 (VCV002467361.3), dbSNP rs1376010730, ClinGen allele CA337823082.

ClinVar aggregate classification (germline): Uncertain significance. Review status: criteria provided, multiple submitters, no conflicts (2 of 4 stars). 2 submissions from 2 submitters: Uncertain significance (2). Last evaluated 2026-03-02.

Conditions:
Inborn genetic diseases. Identifiers: MedGen C0950123, MeSH D030342.

Allele frequency attached by ClinVar (database versions not stated): gnomAD 0.00001.

Submissions (2):

Women's Health and Genetics/Laboratory Corporation of America, LabCorp
Classification: Uncertain significance. Last evaluated: 2026-03-02. Review status: criteria provided, single submitter. Criteria: LabCorp Variant Classification Summary - May 2015. Collection method: clinical testing. Allele origin: germline.
Comment: Variant summary: B3GALT6 c.169G>A (p.Ala57Thr) results in a non-conservative amino acid change in the encoded protein sequence. Algorithms developed to predict the effect of missense changes on protein structure and function are either unavailable or do not agree on the potential impact of this missense change. The variant was absent in 170 control chromosomes. The available data on variant occurrences in the general population are insufficient to allow any conclusion about variant significance. To our knowledge, no occurrence of c.169G>A in individuals affected with B3GALT6-related conditions and no experimental evidence demonstrating its impact on protein function have been reported. ClinVar contains an entry for this variant (Variation ID: 2467361). Based on the evidence outlined above, the variant was classified as uncertain significance.

Ambry Genetics
Classification: Uncertain significance for Inborn genetic diseases. Last evaluated: 2023-02-13. Review status: criteria provided, single submitter. Criteria: Ambry Variant Classification Scheme 2023. Collection method: clinical testing. Allele origin: germline.